The following is an entry in ClinVar:

NM_152383.5(DIS3L2):c.601+1G>A

Gene: DIS3L2 (DIS3 like 3'-5' exoribonuclease 2; plus strand). Cytogenetic location: 2q37.1.
Variant type: single nucleotide variant.
Coding change: c.601+1G>A on transcript NM_152383.5 (MANE Select); the canonical splice donor site of the intron after coding-DNA position 601, G replaced by A.
Molecular consequence: splice donor variant.
Genome position (GRCh38, 1-based): chr2:232,087,722, G>A. VCF-style: chr2-232087722-G-A. GRCh37 (hg19) VCF-style: chr2-232952432-G-A.
Other names: c.601+1G>A (NM_001257281.2, NM_001257282.2).
Identifiers: ClinVar variation 1495037 (VCV001495037.7), dbSNP rs747497458, ClinGen allele CA2163851.

ClinVar aggregate classification (germline): Likely pathogenic (1 of 4 stars; one submission).

Conditions:
Perlman syndrome (PRLMNS). Identifiers: Orphanet 2849, MedGen C0796113, MONDO:0009965, OMIM 267000.

Allele frequency attached by ClinVar (database versions not stated): gnomAD exomes below 0.00001; ExAC 0.00001; gnomAD 0.00001.
gnomAD v4.1: 1 of 1,611,340 alleles (0.000062%); highest among the groups gnomAD compares: East Asian, 0.0022%; no homozygotes.

Submissions (2):

Labcorp Genetics (formerly Invitae), Labcorp
Classification: Likely pathogenic for Perlman syndrome. Last evaluated: 2023-08-04. Review status: criteria provided, single submitter. Criteria: Invitae Variant Classification Sherloc (09022015). Collection method: clinical testing. Allele origin: germline.
Comment: In summary, the currently available evidence indicates that the variant is pathogenic, but additional data are needed to prove that conclusively. Therefore, this variant has been classified as Likely Pathogenic. This sequence change affects a donor splice site in intron 6 of the DIS3L2 gene. It is expected to disrupt RNA splicing. Variants that disrupt the donor or acceptor splice site typically lead to a loss of protein function (PMID: 16199547), and loss-of-function variants in DIS3L2 are known to be pathogenic (PMID: 22306653, 28328139). This variant is present in population databases (rs747497458, gnomAD 0.006%). Disruption of this splice site has been observed in individual(s) with breast cancer (PMID: 26689913). ClinVar contains an entry for this variant (Variation ID: 1495037). Algorithms developed to predict the effect of sequence changes on RNA splicing suggest that this variant may disrupt the consensus splice site.

Dr. Peter K. Rogan Lab, Western University
No classification provided (evidence only). Condition: Familial cancer of breast. Review status: no classification provided. Collection method: in vitro. Allele origin: not applicable. Functional consequence: retained intron. Not counted in ClinVar's aggregate classification.

Literature cited by the submitters: PubMed 16199547 (cited by Labcorp Genetics (formerly Invitae), Labcorp); PubMed 22306653 (cited by Labcorp Genetics (formerly Invitae), Labcorp); PubMed 28328139 (cited by Labcorp Genetics (formerly Invitae), Labcorp); PubMed 26689913 (cited by Labcorp Genetics (formerly Invitae), Labcorp).